The following is an entry in ClinVar:

NM_014679.5(CEP57):c.1319C>T (p.Thr440Ile)

Gene: CEP57 (centrosomal protein 57; plus strand). Cytogenetic location: 11q21.
Variant type: single nucleotide variant.
Coding change: c.1319C>T on transcript NM_014679.5 (MANE Select); coding-DNA position 1319, C replaced by T.
Protein change: p.Thr440Ile; replaces threonine 440 with isoleucine.
Molecular consequence: missense variant.
Genome position (GRCh38, 1-based): chr11:95,831,072, C>T. VCF-style: chr11-95831072-C-T. GRCh37 (hg19) VCF-style: chr11-95564236-C-T.
Other names: c.1238C>T, p.Thr413Ile (NM_001363604.2, NM_001440869.1, NM_001440870.1); c.1211C>T, p.Thr404Ile (NM_001440871.1); c.1202C>T, p.Thr401Ile (NM_001440872.1); c.1139C>T, p.Thr380Ile (NM_001440873.1); c.1133C>T, p.Thr378Ile (NM_001440874.1); c.1130C>T, p.Thr377Ile (NM_001440875.1); c.1124C>T, p.Thr375Ile (NM_001440876.1); c.1121C>T, p.Thr374Ile (NM_001440877.1, NM_001440878.1); and 6 more; short protein forms T339I, T341I, T353I, T375I, T380I, T414I, T374I, T413I.
Identifiers: ClinVar variation 4842317 (VCV004842317.1).

ClinVar aggregate classification (germline): Uncertain significance (1 of 4 stars; one submission).

Conditions:
Inborn genetic diseases. Identifiers: MedGen C0950123, MeSH D030342.

gnomAD v4.1: 1 of 1,613,250 alleles (0.000062%); highest among the groups gnomAD compares: East Asian, 0.0022%; no homozygotes.

Submission:

Ambry Genetics
Classification: Uncertain significance for Inborn genetic diseases. Last evaluated: 2026-01-06. Review status: criteria provided, single submitter. Criteria: Ambry Variant Classification Scheme 2023. Collection method: clinical testing. Allele origin: germline.
Comment: The p.T440I variant (also known as c.1319C>T), located in coding exon 11 of the CEP57 gene, results from a C to T substitution at nucleotide position 1319. The threonine at codon 440 is replaced by isoleucine, an amino acid with similar properties. This amino acid position is conserved. In addition, this alteration is predicted to be tolerated by in silico analysis. Based on the available evidence, the clinical significance of this variant remains unclear.